The following is an entry in ClinVar:

GRCh37/hg19 19p13.2(chr19:13374979-13388396)x1

Gene: CACNA1A (calcium voltage-gated channel subunit alpha1 A; minus strand). Cytogenetic location: 19p13.2.
Variant type: copy number loss.
Change: copy number 1 (one copy instead of two) of chr19:13,374,979-13,388,396 (13.4 kb, GRCh37 coordinates, 1-based), cytogenetic band 19p13.2.
Identifiers: ClinVar variation 1328102 (VCV001328102.4).

ClinVar aggregate classification (germline): Pathogenic (1 of 4 stars; one submission).

Submission:

Illumina Laboratory Services, Illumina
Classification: Pathogenic. Last evaluated: 2021-09-02. Review status: criteria provided, single submitter. Criteria: ICSL CNVClassificationCriteria Aug2020. Collection method: clinical testing. Allele origin: unknown.
Comment: This CNV is a 13 kb deletion of 19p13.2 on chromosome 19 (seq[GRCh37]del(19)(p13.2); chr19:g.13374979_13388396del) of unknown inheritance. This CNV constitutes a loss encompassing exons 23 and 24 of the CACNA1A gene and is predicted to cause a frameshift resulting in premature termination or absence of the protein. While this specific deletion has not been reported in the peer-reviewed literature, other intragenic single and multi-exon deletions in CACNA1A have been reported in individuals with episodic ataxia type II (Riant et al. 2010; Wan et al. 2011; Sintas et al. 2017). This CNV has not been reported in controls. Based on the predicted truncating nature of the variant, its rarity and phenotype overlap, this CNV is classified as pathogenic.

Literature cited by the submitters: PubMed 19633872; PubMed 21927611; PubMed 28566750.